The following is an entry in ClinVar:

ClinVar aggregate classification (germline): Uncertain significance. Review status: criteria provided, multiple submitters, no conflicts (2 of 4 stars). 2 submissions from 2 submitters: Uncertain significance (2). Last evaluated 2024-09-29.

Conditions:
Neuronopathy, distal hereditary motor, type 7A. Also called: Neuronopathy, distal hereditary motor, type viia; HARPER-YOUNG MYOPATHY; HMN VIIA; NEURONOPATHY, DISTAL HEREDITARY MOTOR, HARDING TYPE VIIA; NEUROPATHY, DISTAL HEREDITARY MOTOR, HARDING TYPE VIIA; Neuronopathy, distal hereditary motor, autosomal dominant 7. Identifiers: Orphanet 139589, MedGen C1834703, MONDO:0008024, OMIM 158580.
Congenital myasthenic syndrome 20. Also called: Myasthenic syndrome, congenital, 20, presynaptic. Identifiers: MedGen C4310694, MONDO:0014939, OMIM 617143.
Inborn genetic diseases. Identifiers: MedGen C0950123, MeSH D030342.

Allele frequency attached by ClinVar (database versions not stated): ExAC 0.00001; gnomAD 0.00001; gnomAD exomes 0.00001 and 0.00003; TOPMed 0.00001.
gnomAD v4.1: 49 of 1,613,826 alleles (0.003%); highest among the groups gnomAD compares: Non-Finnish European, 0.0041%; no homozygotes.

Submissions (2):

Labcorp Genetics (formerly Invitae), Labcorp
Classification: Uncertain significance for Neuronopathy, distal hereditary motor, type 7A; Congenital myasthenic syndrome 20. Last evaluated: 2024-09-29. Review status: criteria provided, single submitter. Criteria: Invitae Variant Classification Sherloc (09022015). Collection method: clinical testing. Allele origin: germline.
Comment: This sequence change replaces phenylalanine, which is neutral and non-polar, with leucine, which is neutral and non-polar, at codon 418 of the SLC5A7 protein (p.Phe418Leu). This variant is present in population databases (rs770003632, gnomAD 0.002%). This variant has not been reported in the literature in individuals affected with SLC5A7-related conditions. ClinVar contains an entry for this variant (Variation ID: 532812). Invitae Evidence Modeling of protein sequence and biophysical properties (such as structural, functional, and spatial information, amino acid conservation, physicochemical variation, residue mobility, and thermodynamic stability) indicates that this missense variant is not expected to disrupt SLC5A7 protein function with a negative predictive value of 80%. In summary, the available evidence is currently insufficient to determine the role of this variant in disease. Therefore, it has been classified as a Variant of Uncertain Significance.

Ambry Genetics
Classification: Uncertain significance for Inborn genetic diseases. Last evaluated: 2022-12-19. Review status: criteria provided, single submitter. Criteria: Ambry Variant Classification Scheme 2023. Collection method: clinical testing. Allele origin: germline.

NM_021815.5(SLC5A7):c.1254C>A (p.Phe418Leu)

Gene: SLC5A7 (solute carrier family 5 member 7; plus strand). Cytogenetic location: 2q12.3.
Variant type: single nucleotide variant.
Coding change: c.1254C>A on transcript NM_021815.5 (MANE Select); coding-DNA position 1254, C replaced by A.
Protein change: p.Phe418Leu; replaces phenylalanine 418 with leucine.
Molecular consequence: missense variant.
Genome position (GRCh38, 1-based): chr2:108,010,372, C>A. VCF-style: chr2-108010372-C-A. GRCh37 (hg19) VCF-style: chr2-108626828-C-A.
Other names: c.1254C>A, p.Phe418Leu (NM_001305005.3); c.939C>A, p.Phe313Leu (NM_001305006.3); c.513C>A, p.Phe171Leu (NM_001305007.3); short protein forms F418L, F171L, F313L.
Identifiers: ClinVar variation 532812 (VCV000532812.7), dbSNP rs770003632, ClinGen allele CA1819153.
Genomic context (GRCh38, chr2:108,010,372, plus strand): 5'-GACGAAAACTGTGTATGGGCTCTGGTACCTCAGTTCTGACCTTGTTTACATCGTTATCTT[C>A]CCCCAGCTGCTTTGTGTACTCTTTGTTAAGGGAACCAACACCTATGGGGCCGTGGCAGGT-3'
Protein context (NP_068587.1, residues 408-428): LSSDLVYIVI[Phe418Leu]PQLLCVLFVK